The following is an entry in ClinVar:

NM_000219.6(KCNE1):c.115G>T (p.Asp39Tyr)

Gene: KCNE1 (potassium voltage-gated channel subfamily E regulatory subunit 1; minus strand). Cytogenetic location: 21q22.12.
Variant type: single nucleotide variant.
Coding change: c.115G>T on transcript NM_000219.6 (MANE Select); coding-DNA position 115, G replaced by T.
Protein change: p.Asp39Tyr; replaces aspartic acid 39 with tyrosine.
Molecular consequence: missense variant.
Genome position (GRCh38, 1-based): chr21:34,449,520, C>A on the plus strand (G>T on the coding strand, the complement: KCNE1 is on the minus strand). VCF-style: chr21-34449520-C-A. GRCh37 (hg19) VCF-style: chr21-35821818-C-A.
Other names: c.115G>T, p.Asp39Tyr (NM_001127668.4, NM_001127669.4, NM_001127670.4 and 4 more transcripts); short protein forms D39Y.
Identifiers: ClinVar variation 3374084 (VCV003374084.2).

Conditions:
Long QT syndrome 5 (LQT5). Identifiers: Orphanet 101016, Orphanet 768, MedGen C1867904, MONDO:0013372, OMIM 613695.

Submission:

Roden Lab, Vanderbilt University Medical Center
No classification provided (evidence only). Condition: Long QT syndrome 5. Review status: no classification provided. Collection method: in vitro. Allele origin: not applicable. Functional consequence: Effect on ion channel function.
ClinVar note: "not provided" was previously submitted as the classification for the variant. However, the classification appeared to be based only on an observation of functional data so it was converted to no classification on 2025-07-30.